The following is an entry in ClinVar:

NM_018249.6(CDK5RAP2):c.1192C>T (p.Arg398Cys)

Gene: CDK5RAP2 (CDK5 regulatory subunit associated protein 2; minus strand). Cytogenetic location: 9q33.2.
Variant type: single nucleotide variant.
Coding change: c.1192C>T on transcript NM_018249.6 (MANE Select); coding-DNA position 1192, C replaced by T.
Protein change: p.Arg398Cys; replaces arginine 398 with cysteine.
Molecular consequence: missense variant. On other transcripts: non-coding transcript variant (5).
Genome position (GRCh38, 1-based): chr9:120,518,546, G>A on the plus strand (C>T on the coding strand, the complement: CDK5RAP2 is on the minus strand). VCF-style: chr9-120518546-G-A. GRCh37 (hg19) VCF-style: chr9-123280824-G-A.
Other names: c.1192C>T, p.Arg398Cys (NM_001011649.3, NM_001272039.2); c.1192C>T (NM_018249.4); short protein forms R398C.
Identifiers: ClinVar variation 912316 (VCV000912316.6), dbSNP rs760516442, ClinGen allele CA5214479.

ClinVar aggregate classification (germline): Uncertain significance. Review status: criteria provided, multiple submitters, no conflicts (2 of 4 stars). 3 submissions from 3 submitters: Uncertain significance (3). Last evaluated 2025-11-08.

Conditions:
Microcephaly 3, primary, autosomal recessive. Identifiers: Orphanet 2512, MedGen C1858108, MONDO:0011488, OMIM 604804.
Inborn genetic diseases. Identifiers: MedGen C0950123, MeSH D030342.
CDK5RAP2-related disorder. Also called: CDK5RAP2-related condition.

Allele frequency attached by ClinVar (database versions not stated): ExAC 0.00001; gnomAD exomes 0.00001; gnomAD 0.00009; TOPMed 0.00014.
gnomAD v4.1: 36 of 1,613,396 alleles (0.0022%); highest among the groups gnomAD compares: African/African-American, 0.028%; no homozygotes.

Submissions (3):

Ambry Genetics
Classification: Uncertain significance for Inborn genetic diseases. Last evaluated: 2025-11-08. Review status: criteria provided, single submitter. Criteria: Ambry Variant Classification Scheme 2023. Collection method: clinical testing. Allele origin: germline.

PreventionGenetics, part of Exact Sciences
Classification: Uncertain significance for CDK5RAP2-related condition. Last evaluated: 2025-03-22. Review status: criteria provided, single submitter. Criteria: ACMG Guidelines, 2015. Collection method: clinical testing. Allele origin: germline.
Comment: The CDK5RAP2 c.1192C>T variant is predicted to result in the amino acid substitution p.Arg398Cys. To our knowledge, this variant has not been reported in the literature. This variant is reported in 0.020% of alleles in individuals of African descent in gnomAD. At this time, the clinical significance of this variant is uncertain due to the absence of conclusive functional and genetic evidence.

Illumina Laboratory Services, Illumina
Classification: Uncertain significance for Microcephaly 3, primary, autosomal recessive. Last evaluated: 2018-01-13. Review status: criteria provided, single submitter. Criteria: ICSL Variant Classification Criteria 13 December 2019. Collection method: clinical testing. Allele origin: germline.